The following is an entry in ClinVar:

ClinVar aggregate classification (germline): Uncertain significance (1 of 4 stars; one submission).

gnomAD v4.1: 2 of 1,613,700 alleles (0.00012%); highest among the groups gnomAD compares: Non-Finnish European, 0.000085%; no homozygotes.

Submission:

GeneDx
Classification: Uncertain significance. Last evaluated: 2023-07-03. Review status: criteria provided, single submitter. Criteria: GeneDx Variant Classification Process June 2021. Collection method: clinical testing. Allele origin: germline. Affected: yes.
Comment: Not observed at significant frequency in large population cohorts (gnomAD); In silico analysis supports that this missense variant does not alter protein structure/function; Has not been previously published as pathogenic or benign to our knowledge

NM_000426.4(LAMA2):c.4975G>A (p.Ala1659Thr)

Gene: LAMA2 (laminin subunit alpha 2; plus strand). Cytogenetic location: 6q22.33.
Variant type: single nucleotide variant.
Coding change: c.4975G>A on transcript NM_000426.4 (MANE Select); coding-DNA position 4975, G replaced by A.
Protein change: p.Ala1659Thr; replaces alanine 1659 with threonine.
Molecular consequence: missense variant.
Genome position (GRCh38, 1-based): chr6:129,383,137, G>A. VCF-style: chr6-129383137-G-A. GRCh37 (hg19) VCF-style: chr6-129704282-G-A.
Other names: c.4975G>A, p.Ala1659Thr (NM_001079823.2); short protein forms A1659T.
Identifiers: ClinVar variation 3360766 (VCV003360766.1).